The following is an entry in ClinVar:

ClinVar aggregate classification (germline): Uncertain significance (1 of 4 stars; one submission).

Submission:

Labcorp Genetics (formerly Invitae), Labcorp
Classification: Uncertain significance. Last evaluated: 2023-07-19. Review status: criteria provided, single submitter. Criteria: Invitae Variant Classification Sherloc (09022015). Collection method: clinical testing. Allele origin: germline.
Comment: In summary, the available evidence is currently insufficient to determine the role of this variant in disease. Therefore, it has been classified as a Variant of Uncertain Significance. Advanced modeling of protein sequence and biophysical properties (such as structural, functional, and spatial information, amino acid conservation, physicochemical variation, residue mobility, and thermodynamic stability) performed at Invitae indicates that this missense variant is expected to disrupt TRRAP protein function. This variant has not been reported in the literature in individuals affected with TRRAP-related conditions. This variant is not present in population databases (gnomAD no frequency). This sequence change replaces glutamic acid, which is acidic and polar, with glycine, which is neutral and non-polar, at codon 83 of the TRRAP protein (p.Glu83Gly).

NM_001375524.1(TRRAP):c.248A>G (p.Glu83Gly)

Gene: TRRAP (transformation/transcription domain associated protein; plus strand). Cytogenetic location: 7q22.1.
Variant type: single nucleotide variant.
Coding change: c.248A>G on transcript NM_001375524.1 (MANE Select); coding-DNA position 248, A replaced by G.
Protein change: p.Glu83Gly; replaces glutamic acid 83 with glycine.
Molecular consequence: missense variant.
Genome position (GRCh38, 1-based): chr7:98,890,432, A>G. VCF-style: chr7-98890432-A-G. GRCh37 (hg19) VCF-style: chr7-98488055-A-G.
Other names: c.248A>G, p.Glu83Gly (NM_001244580.2, NM_003496.4); short protein forms E83G.
Identifiers: ClinVar variation 2855708 (VCV002855708.3), dbSNP rs2484648923, ClinGen allele CA368306090.